The following is an entry in ClinVar:

ClinVar aggregate classification (germline): Uncertain significance (1 of 4 stars; one submission).

Allele frequency attached by ClinVar (database versions not stated): ExAC 0.00001; gnomAD exomes 0.00001; gnomAD 0.00003; TOPMed 0.00004.
gnomAD v4.1: 15 of 1,588,224 alleles (0.00094%); highest among the groups gnomAD compares: Admixed American, 0.0051%; no homozygotes.

Submission:

Labcorp Genetics (formerly Invitae), Labcorp
Classification: Uncertain significance. Last evaluated: 2024-10-24. Review status: criteria provided, single submitter. Criteria: Invitae Variant Classification Sherloc (09022015). Collection method: clinical testing. Allele origin: germline.
Comment: This sequence change replaces proline, which is neutral and non-polar, with serine, which is neutral and polar, at codon 1361 of the RERE protein (p.Pro1361Ser). This variant is present in population databases (rs772346972, gnomAD 0.001%). This variant has not been reported in the literature in individuals affected with RERE-related conditions. Invitae Evidence Modeling of protein sequence and biophysical properties (such as structural, functional, and spatial information, amino acid conservation, physicochemical variation, residue mobility, and thermodynamic stability) has been performed for this missense variant. However, the output from this modeling did not meet the statistical confidence thresholds required to predict the impact of this variant on RERE protein function. In summary, the available evidence is currently insufficient to determine the role of this variant in disease. Therefore, it has been classified as a Variant of Uncertain Significance.

NM_001042681.2(RERE):c.4081C>T (p.Pro1361Ser)

Gene: RERE (arginine-glutamic acid dipeptide repeats; minus strand). Cytogenetic location: 1p36.23.
Variant type: single nucleotide variant.
Coding change: c.4081C>T on transcript NM_001042681.2 (MANE Select); coding-DNA position 4081, C replaced by T.
Protein change: p.Pro1361Ser; replaces proline 1361 with serine.
Molecular consequence: missense variant.
Genome position (GRCh38, 1-based): chr1:8,358,454, G>A on the plus strand (C>T on the coding strand, the complement: RERE is on the minus strand). VCF-style: chr1-8358454-G-A. GRCh37 (hg19) VCF-style: chr1-8418514-G-A.
Other names: c.2419C>T, p.Pro807Ser (NM_001042682.2); c.4081C>T, p.Pro1361Ser (NM_012102.4); short protein forms P807S, P1361S.
Identifiers: ClinVar variation 2718881 (VCV002718881.3), dbSNP rs772346972, ClinGen allele CA570901.
Genomic context (GRCh38, chr1:8,358,454, plus strand): 5'-GGGCCAGTCTCTCCCTCTCCAAGGGGTTCAGGCCCGGGTGGAAAGAAGCAAAAGGGTGGG[G>A]CCCGGCGGTCGGGGGGATGGTGAGGGCGCTGTGCCGGGCAAAGTGCTCCATGGGGTTGGC-3'
Protein context (NP_001036146.1, residues 1351-1371): SALTIPPTAG[Pro1361Ser]HPFASFHPGL